The following is an entry in ClinVar:

NM_001287491.2(TET3):c.4117C>T (p.Pro1373Ser)

Gene: TET3 (tet methylcytosine dioxygenase 3; plus strand). Cytogenetic location: 2p13.1.
Variant type: single nucleotide variant.
Coding change: c.4117C>T on transcript NM_001287491.2 (MANE Select); coding-DNA position 4117, C replaced by T.
Protein change: p.Pro1373Ser; replaces proline 1373 with serine.
Molecular consequence: missense variant.
Genome position (GRCh38, 1-based): chr2:74,100,905, C>T. VCF-style: chr2-74100905-C-T. GRCh37 (hg19) VCF-style: chr2-74328032-C-T.
Other names: c.3838C>T, p.Pro1280Ser (NM_001366022.1); short protein forms P1280S, P1373S.
Identifiers: ClinVar variation 4538228 (VCV004538228.1).
Genomic context (GRCh38, chr2:74,100,905, plus strand): 5'-ACTCCTCACCACCAGCAGCCTGCGTACCCAGGCCCCAAGGAGTATCTGCTTCCCAAGGCC[C>T]CCCTACTCCACTCAGTGTCCAGGGACCCCTCCCCCTTTGCCCAGAGCTCCAACTGCTACA-3'
Protein context (NP_001274420.1, residues 1363-1383): GPKEYLLPKA[Pro1373Ser]LLHSVSRDPS

ClinVar aggregate classification (germline): Uncertain significance (1 of 4 stars; one submission).

Submission:

Greenwood Genetic Center Diagnostic Laboratories, Greenwood Genetic Center
Classification: Uncertain significance. Last evaluated: 2025-05-08. Review status: criteria provided, single submitter. Criteria: ACMG Guidelines, 2015. Collection method: clinical testing. Allele origin: germline. Affected: yes.
Comment: PM2, BP4, PP2